The following is an entry in ClinVar:

NM_001042492.3(NF1):c.5483G>C (p.Arg1828Pro)

Gene: NF1 (neurofibromin 1; plus strand). Cytogenetic location: 17q11.2.
Variant type: single nucleotide variant.
Coding change: c.5483G>C on transcript NM_001042492.3 (MANE Select); coding-DNA position 5483, G replaced by C.
Protein change: p.Arg1828Pro; replaces arginine 1828 with proline.
Molecular consequence: missense variant.
Genome position (GRCh38, 1-based): chr17:31,327,713, G>C. VCF-style: chr17-31327713-G-C. GRCh37 (hg19) VCF-style: chr17-29654731-G-C.
Other names: c.5420G>C, p.Arg1807Pro (NM_000267.4); short protein forms R1807P, R1828P.
Identifiers: ClinVar variation 2183706 (VCV002183706.5), dbSNP rs876660298, ClinGen allele CA399009542.
Genomic context (GRCh38, chr17:31,327,713, plus strand): 5'-CGCCGCTCACCTTCATGCACCAGGAGTGTGAAGCCATTGTCCAGTCTATCATTCATATCC[G>C]GACCCGCTGGGAACTGTCACAGCCCGACTCTATCCCCCAACACACCAAGATTCGGCCAAA-3'
Protein context (NP_001035957.1, residues 1818-1838): EAIVQSIIHI[Arg1828Pro]TRWELSQPDS

ClinVar aggregate classification (germline): Conflicting classifications of pathogenicity. Review status: criteria provided, conflicting classifications (1 of 4 stars). 2 submissions from 2 submitters: Likely pathogenic (1); Uncertain significance (1). Last evaluated 2024-07-01.

Conditions:
Neurofibromatosis, type 1 (NF1). Also called: VON RECKLINGHAUSEN DISEASE; NEUROFIBROMATOSIS, TYPE I, SOMATIC; Neurofibromatosis, type I; Peripheral type neurofibromatosis. Identifiers: Orphanet 636, MedGen C0027831, MONDO:0018975, OMIM 162200. Disease mechanism: loss of function.

Submissions (2):

GeneDx
Classification: Likely pathogenic. Last evaluated: 2024-07-01. Review status: criteria provided, single submitter. Criteria: GeneDx Variant Classification Process June 2021. Collection method: clinical testing. Allele origin: germline. Affected: yes.
Comment: Not observed at significant frequency in large population cohorts (gnomAD); In silico analysis supports that this missense variant has a deleterious effect on protein structure/function; Has not been previously published as pathogenic or benign to our knowledge

Labcorp Genetics (formerly Invitae), Labcorp
Classification: Uncertain significance for Neurofibromatosis, type 1. Last evaluated: 2022-10-16. Review status: criteria provided, single submitter. Criteria: Invitae Variant Classification Sherloc (09022015). Collection method: clinical testing. Allele origin: germline.
Comment: In summary, the available evidence is currently insufficient to determine the role of this variant in disease. Therefore, it has been classified as a Variant of Uncertain Significance. Advanced modeling of protein sequence and biophysical properties (such as structural, functional, and spatial information, amino acid conservation, physicochemical variation, residue mobility, and thermodynamic stability) performed at Invitae indicates that this missense variant is expected to disrupt NF1 protein function. This variant has not been reported in the literature in individuals affected with NF1-related conditions. This variant is not present in population databases (gnomAD no frequency). This sequence change replaces arginine, which is basic and polar, with proline, which is neutral and non-polar, at codon 1807 of the NF1 protein (p.Arg1807Pro).